The following is an entry in ClinVar:

ClinVar aggregate classification (germline): Uncertain significance (1 of 4 stars; one submission).

Conditions:
Cardiovascular phenotype. Identifiers: MedGen CN230736.
Hereditary cancer-predisposing syndrome. Also called: Neoplastic Syndromes, Hereditary; Tumor predisposition; Hereditary Cancer Syndrome; Hereditary neoplastic syndrome. Identifiers: Orphanet 140162, MedGen C0027672, MeSH D009386, MONDO:0015356.

Submission:

Ambry Genetics
Classification: Uncertain significance for Cardiovascular phenotype; Hereditary cancer-predisposing syndrome. Last evaluated: 2020-12-31. Review status: criteria provided, single submitter. Criteria: Ambry Variant Classification Scheme 2023. Collection method: clinical testing. Allele origin: germline.
Comment: The p.D556H variant (also known as c.1666G>C), located in coding exon 15 of the NF1 gene, results from a G to C substitution at nucleotide position 1666. The aspartic acid at codon 556 is replaced by histidine, an amino acid with similar properties. This amino acid position is well conserved in available vertebrate species. In addition, the in silico prediction for this alteration is inconclusive. Since supporting evidence is limited at this time, the clinical significance of this alteration remains unclear.

NM_001042492.3(NF1):c.1666G>C (p.Asp556His)

Gene: NF1 (neurofibromin 1; plus strand). Cytogenetic location: 17q11.2.
Variant type: single nucleotide variant.
Coding change: c.1666G>C on transcript NM_001042492.3 (MANE Select); coding-DNA position 1666, G replaced by C.
Protein change: p.Asp556His; replaces aspartic acid 556 with histidine.
Molecular consequence: missense variant.
Genome position (GRCh38, 1-based): chr17:31,221,874, G>C. VCF-style: chr17-31221874-G-C. GRCh37 (hg19) VCF-style: chr17-29548892-G-C.
Other names: c.1666G>C, p.Asp556His (NM_000267.4, NM_001128147.3); short protein forms D556H.
Identifiers: ClinVar variation 1777579 (VCV001777579.2), dbSNP rs2144004079, ClinGen allele CA399002255.